The following is an entry in ClinVar:

ClinVar aggregate classification (germline): Uncertain significance (1 of 4 stars; one submission).

Conditions:
Deficiency of ferroxidase (ACEP). Also called: Deficiency of ceruloplasmin; NEURODEGENERATION WITH BRAIN IRON ACCUMULATION 10; Ceruloplasmin deficiency; Familial apoceruloplasmin deficiency; Hereditary ceruloplasmin deficiency; Aceruloplasminemia. Identifiers: Orphanet 48818, MedGen C0878682, MONDO:0011426, OMIM 604290, HP:0025498.

Submission:

Labcorp Genetics (formerly Invitae), Labcorp
Classification: Uncertain significance for Deficiency of ferroxidase. Last evaluated: 2022-01-16. Review status: criteria provided, single submitter. Criteria: Invitae Variant Classification Sherloc (09022015). Collection method: clinical testing. Allele origin: germline.
Comment: This variant has not been reported in the literature in individuals affected with CP-related conditions. Advanced modeling of protein sequence and biophysical properties (such as structural, functional, and spatial information, amino acid conservation, physicochemical variation, residue mobility, and thermodynamic stability) performed at Invitae indicates that this missense variant is expected to disrupt CP protein function. In summary, the available evidence is currently insufficient to determine the role of this variant in disease. Therefore, it has been classified as a Variant of Uncertain Significance. This variant is not present in population databases (gnomAD no frequency). This sequence change replaces lysine, which is basic and polar, with threonine, which is neutral and polar, at codon 781 of the CP protein (p.Lys781Thr).

NM_000096.4(CP):c.2342A>C (p.Lys781Thr)

Gene: CP (ceruloplasmin; minus strand). Cytogenetic location: 3q24.
Variant type: single nucleotide variant.
Coding change: c.2342A>C on transcript NM_000096.4 (MANE Select); coding-DNA position 2342, A replaced by C.
Protein change: p.Lys781Thr; replaces lysine 781 with threonine.
Molecular consequence: missense variant. On other transcripts: non-coding transcript variant (1).
Genome position (GRCh38, 1-based): chr3:149,183,549, T>G on the plus strand (A>C on the coding strand, the complement: CP is on the minus strand). VCF-style: chr3-149183549-T-G. GRCh37 (hg19) VCF-style: chr3-148901336-T-G.
Other names: short protein forms K781T.
Identifiers: ClinVar variation 2086065 (VCV002086065.4), dbSNP rs2472753947, ClinGen allele CA354931496.